The following is an entry in ClinVar:

ClinVar aggregate classification (germline): Uncertain significance (1 of 4 stars; one submission).

Conditions:
MMAA-related disorder. Also called: MMAA-related condition.

Submission:

PreventionGenetics, part of Exact Sciences
Classification: Uncertain significance for MMAA-related condition. Last evaluated: 2026-09-03. Review status: criteria provided, single submitter. Criteria: ACMG Guidelines, 2015. Collection method: clinical testing. Allele origin: germline.
Comment: The MMAA c.1046T>G variant is predicted to result in the amino acid substitution p.Met349Arg. To our knowledge, this variant has not been reported in the literature or in a large population database (gnomAD), indicating this variant is rare. At this time, the clinical significance of this variant is uncertain due to the absence of conclusive functional and genetic evidence.

NM_172250.3(MMAA):c.1046T>G (p.Met349Arg)

Gene: MMAA (metabolism of cobalamin associated A; plus strand). Cytogenetic location: 4q31.21.
Variant type: single nucleotide variant.
Coding change: c.1046T>G on transcript NM_172250.3 (MANE Select); coding-DNA position 1046, T replaced by G.
Protein change: p.Met349Arg; replaces methionine 349 with arginine.
Molecular consequence: missense variant.
Genome position (GRCh38, 1-based): chr4:145,655,223, T>G. VCF-style: chr4-145655223-T-G. GRCh37 (hg19) VCF-style: chr4-146576375-T-G.
Other names: c.1046T>G, p.Met349Arg (NM_001375644.1); short protein forms M349R.
Identifiers: ClinVar variation 4992478 (VCV004992478.1).